The following is an entry in ClinVar:

NM_001854.4(COL11A1):c.3384+13T>G

Gene: COL11A1 (collagen type XI alpha 1 chain; minus strand). Cytogenetic location: 1p21.1.
Variant type: single nucleotide variant.
Coding change: c.3384+13T>G on transcript NM_001854.4 (MANE Select); 13 bases into the intron after coding-DNA position 3384, T replaced by G.
Molecular consequence: intron variant.
Genome position (GRCh38, 1-based): chr1:102,940,314, A>C on the plus strand (T>G on the coding strand, the complement: COL11A1 is on the minus strand). VCF-style: chr1-102940314-A-C. GRCh37 (hg19) VCF-style: chr1-103405870-A-C.
Other names: c.3267+13T>G (NM_001190709.2); c.3420+13T>G (NM_080629.3); c.3036+13T>G (NM_080630.4).
Identifiers: ClinVar variation 876730 (VCV000876730.19), dbSNP rs201970483, ClinGen allele CA974048.

ClinVar aggregate classification (germline): Conflicting classifications of pathogenicity. Review status: criteria provided, conflicting classifications (1 of 4 stars). 7 submissions from 6 submitters: Uncertain significance (1); Benign (1); Likely benign (5). Last evaluated 2026-01-19.

Conditions:
Fibrochondrogenesis 1 (FBCG1). Identifiers: Orphanet 2021, MedGen C3278138, MONDO:0009226, OMIM 228520.
Stickler syndrome type 2 (STL2). Also called: COL11A1-Related Stickler Syndrome; STICKLER SYNDROME, BEADED VITREOUS TYPE; STICKLER SYNDROME, VITREOUS TYPE 2; STICKLER SYNDROME, TYPE II. Identifiers: Orphanet 828, Orphanet 90654, MedGen C1858084, MONDO:0011493, OMIM 604841.

Allele frequency attached by ClinVar (database versions not stated): gnomAD exomes 0.00017 and 0.00048; ExAC 0.00058; 1000 Genomes Project 30x 0.00109; 1000 Genomes Project 0.00120; ESP Exome Variant Server 0.00154; gnomAD 0.00192 and 0.00210; TOPMed 0.00221.
gnomAD v4.1: 559 of 1,602,420 alleles (0.035%); highest among the groups gnomAD compares: African/African-American, 0.65%; 4 homozygotes.

Submissions (7):

Women's Health and Genetics/Laboratory Corporation of America, LabCorp
Classification: Likely benign. Last evaluated: 2026-01-19. Review status: criteria provided, single submitter. Criteria: LabCorp Variant Classification Summary - May 2015. Collection method: clinical testing. Allele origin: germline.

Labcorp Genetics (formerly Invitae), Labcorp
Classification: Benign. Last evaluated: 2026-01-11. Review status: criteria provided, single submitter. Criteria: Invitae Variant Classification Sherloc (09022015). Collection method: clinical testing. Allele origin: germline.

Blueprint Genetics
Classification: Likely benign. Last evaluated: 2024-10-02. Review status: criteria provided, single submitter. Criteria: ACMG Guidelines, 2015. Collection method: clinical testing. Allele origin: germline.

ARUP Laboratories, Molecular Genetics and Genomics, ARUP Laboratories
Classification: Likely benign. Last evaluated: 2024-01-26. Review status: criteria provided, single submitter. Criteria: ARUP Molecular Germline Variant Investigation Process 2024. Collection method: clinical testing. Allele origin: germline.

Baylor Genetics
Classification: Uncertain significance for Fibrochondrogenesis 1. Last evaluated: 2018-03-22. Review status: criteria provided, single submitter. Criteria: ACMG Guidelines, 2015. Collection method: clinical testing. Allele origin: paternal. Affected: yes.
Comment: This variant was determined to be of uncertain significance according to ACMG Guidelines, 2015 [PMID:25741868].

Illumina Laboratory Services, Illumina
Classification: Likely benign for Stickler syndrome type 2. Last evaluated: 2018-01-13. Review status: criteria provided, single submitter. Criteria: ICSL Variant Classification Criteria 13 December 2019. Collection method: clinical testing. Allele origin: germline.
Comment: This variant was observed in the ICSL laboratory as part of a predisposition screen in an ostensibly healthy population. It had not been previously curated by ICSL or reported in the Human Gene Mutation Database (HGMD: prior to June 1st, 2018), and was therefore a candidate for classification through an automated scoring system. Utilizing variant allele frequency, disease prevalence and penetrance estimates, and inheritance mode, an automated score was calculated to assess if this variant is too frequent to cause the disease. Based on the score and internal cut-off values, a variant classified as likely benign is not then subjected to further curation. The score for this variant resulted in a classification of likely benign for this disease.

Illumina Laboratory Services, Illumina
Classification: Likely benign for Fibrochondrogenesis 1. Last evaluated: 2018-01-13. Review status: criteria provided, single submitter. Criteria: ICSL Variant Classification Criteria 13 December 2019. Collection method: clinical testing. Allele origin: germline.
Comment: the same text as in the submission from Illumina Laboratory Services, Illumina above.